The following is an entry in ClinVar:

ClinVar aggregate classification (germline): Likely pathogenic (1 of 4 stars; one submission).

Conditions:
Mitochondrial complex I deficiency, nuclear type 10. Also called: Mitochondrial complex 1 deficiency, nuclear type 10. Identifiers: MedGen C4748768, MONDO:0032616, OMIM 618233.

Submission:

Juno Genomics, Hangzhou Juno Genomics, Inc
Classification: Likely pathogenic for Mitochondrial complex I deficiency, nuclear type 10. Review status: criteria provided, single submitter. Criteria: ACMG Guidelines, 2015. Collection method: clinical testing. Allele origin: germline.
Comment: Null variant in a gene where loss of function (LOF) is a known mechanism of disease.;Absent from controls (or at extremely low frequency if recessive) in Genome Aggregation Database.

NM_174889.5(NDUFAF2):c.51_55del (p.Arg17fs)

Gene: NDUFAF2 (NADH:ubiquinone oxidoreductase complex assembly factor 2; plus strand). Cytogenetic location: 5q12.1.
Variant type: Deletion.
Coding change: c.51_55del on transcript NM_174889.5 (MANE Select); coding-DNA positions 51 to 55, 5 bases deleted (GGAAG; older notation c.51_55delGGAAG).
Protein change: p.Arg17fs; shifts the reading frame from arginine 17.
Molecular consequence: frameshift variant.
Genome position (GRCh38, 1-based): chr5:60,945,306-60,945,310, GGAAG deleted; deleting any 5 consecutive bases within chr5:60,945,303-60,945,310 gives the same sequence; the c. name uses the placement nearest the transcript's 3' end. VCF-style (leftmost placement, unchanged base first): chr5-60945302-CAAGGG-C. GRCh37 (hg19) VCF-style: chr5-60241129-CAAGGG-C.
Other names: short protein forms R17fs.
Identifiers: ClinVar variation 5006913 (VCV005006913.2).
Genomic context (GRCh38, chr5:60,945,302, plus strand): 5'-ACTGGGTGGACGGCATGGGTTGGTCTCAGGATTTGTTCCGCGCCTTGTGGAGATCGCTGT[CAAGGG>C]AAGTGAAGGAGCACGTGGGCACGGACCAATTCGGGAACAAATACTACTACATCCCGCAGT-3'